The following is an entry in ClinVar:

ClinVar aggregate classification (germline): Uncertain significance (1 of 4 stars; one submission).

Conditions:
ALMS1-related disorder. Also called: ALMS1-related condition.

Submission:

PreventionGenetics, part of Exact Sciences
Classification: Uncertain significance for ALMS1-related condition. Last evaluated: 2026-05-03. Review status: criteria provided, single submitter. Criteria: ACMG Guidelines, 2015. Collection method: clinical testing. Allele origin: germline.
Comment: The ALMS1 c.8044T>A variant is predicted to result in the amino acid substitution p.Leu2682Ile. To our knowledge, this variant has not been reported in the literature. This variant is reported in 0.0029% of alleles in individuals of Latino descent in gnomAD. At this time, the clinical significance of this variant is uncertain due to the absence of conclusive functional and genetic evidence.

NM_001378454.1(ALMS1):c.8041T>A (p.Ser2681Thr)

Gene: ALMS1 (ALMS1 centrosome and basal body associated protein; plus strand). Cytogenetic location: 2p13.1.
Variant type: single nucleotide variant.
Coding change: c.8041T>A on transcript NM_001378454.1 (MANE Select); coding-DNA position 8041, T replaced by A.
Protein change: p.Ser2681Thr; replaces serine 2681 with threonine.
Molecular consequence: missense variant.
Genome position (GRCh38, 1-based): chr2:73,490,000, T>A. VCF-style: chr2-73490000-T-A. GRCh37 (hg19) VCF-style: chr2-73717127-T-A.
Other names: c.8044T>A, p.Ser2682Thr (NM_015120.4); short protein forms S2681T, S2682T.
Identifiers: ClinVar variation 4984708 (VCV004984708.1).